The following is an entry in ClinVar:

NM_001145809.2(MYH14):c.5987G>A (p.Arg1996His)

Gene: MYH14 (myosin heavy chain 14; plus strand). Cytogenetic location: 19q13.33.
Variant type: single nucleotide variant.
Coding change: c.5987G>A on transcript NM_001145809.2 (MANE Select); coding-DNA position 5987, G replaced by A.
Protein change: p.Arg1996His; replaces arginine 1996 with histidine.
Molecular consequence: missense variant.
Genome position (GRCh38, 1-based): chr19:50,309,666, G>A. VCF-style: chr19-50309666-G-A. GRCh37 (hg19) VCF-style: chr19-50812923-G-A.
Other names: c.5888G>A, p.Arg1963His (NM_001077186.2); c.5864G>A, p.Arg1955His (NM_024729.4); short protein forms R1996H, R1955H, R1963H.
Identifiers: ClinVar variation 894014 (VCV000894014.6), dbSNP rs369111539, ClinGen allele CA9593976.
Genomic context (GRCh38, chr19:50,309,666, plus strand): 5'-TTCATCTCTGTATCCTGGTCTCTCCTCCCCACAGACGCGGCCCCCTCACCTTCACCACCC[G>A]CACGGTGCGCCAGGTCTTCCGACTAGAGGAGGGCGTGGCATCCGACGAGGAGGCAGAGGA-3'
Protein context (NP_001139281.1, residues 1986-2006): LRRGPLTFTT[Arg1996His]TVRQVFRLEE

ClinVar aggregate classification (germline): Uncertain significance. Review status: criteria provided, multiple submitters, no conflicts (2 of 4 stars). 3 submissions from 3 submitters: Uncertain significance (3). Last evaluated 2025-09-26.

Conditions:
Inborn genetic diseases. Identifiers: MedGen C0950123, MeSH D030342.
Autosomal dominant nonsyndromic hearing loss 4A. Also called: Deafness, autosomal dominant 4A. Identifiers: Orphanet 90635, MedGen C1833503, MONDO:0010915, OMIM 600652.

Allele frequency attached by ClinVar (database versions not stated): TOPMed 0.00001; gnomAD 0.00002; ESP Exome Variant Server 0.00008; 1000 Genomes Project 30x 0.00016.
gnomAD v4.1: 9 of 1,376,132 alleles (0.00065%); highest among the groups gnomAD compares: African/African-American, 0.012%; no homozygotes.

Submissions (3):

Ambry Genetics
Classification: Uncertain significance for Inborn genetic diseases. Last evaluated: 2025-09-26. Review status: criteria provided, single submitter. Criteria: Ambry Variant Classification Scheme 2023. Collection method: clinical testing. Allele origin: germline.

GeneDx
Classification: Uncertain significance. Last evaluated: 2021-04-05. Review status: criteria provided, single submitter. Criteria: GeneDx Variant Classification Process June 2021. Collection method: clinical testing. Allele origin: germline. Affected: yes.
Comment: In silico analysis supports that this missense variant has a deleterious effect on protein structure/function; Has not been previously published as pathogenic or benign to our knowledge

Illumina Laboratory Services, Illumina
Classification: Uncertain significance for Autosomal dominant nonsyndromic hearing loss 4A. Last evaluated: 2018-02-09. Review status: criteria provided, single submitter. Criteria: ICSL Variant Classification Criteria 13 December 2019. Collection method: clinical testing. Allele origin: germline.